The following is an entry in ClinVar:

NM_001267550.2(TTN):c.96235G>A (p.Asp32079Asn)

Genes: TTN (titin; minus strand), TTN-AS1 (TTN antisense RNA 1; plus strand), LOC126806421 (CDK7 strongly-dependent group 2 enhancer GRCh37_chr2:179407630-179408829; plus strand). Cytogenetic location: 2q31.2.
Variant type: single nucleotide variant.
Coding change: c.96235G>A on transcript NM_001267550.2 (MANE Select); coding-DNA position 96235, G replaced by A.
Protein change: p.Asp32079Asn; replaces aspartic acid 32079 with asparagine.
Molecular consequence: missense variant.
Genome position (GRCh38, 1-based): chr2:178,543,909, C>T on the plus strand (G>A on the coding strand, the complement: TTN is on the minus strand). VCF-style: chr2-178543909-C-T. GRCh37 (hg19) VCF-style: chr2-179408636-C-T.
Other names: p.D30438N:GAT>AAT; p.Asp30438Asn; c.91312G>A, p.Asp30438Asn (NM_001256850.1); c.69040G>A, p.Asp23014Asn (NM_003319.4); c.88531G>A, p.Asp29511Asn (NM_133378.4); c.69415G>A, p.Asp23139Asn (NM_133432.3); c.69616G>A, p.Asp23206Asn (NM_133437.4); short protein forms D32079N, D30438N, D29511N, D23014N, D23206N, D23139N.
Identifiers: ClinVar variation 196196 (VCV000196196.41), dbSNP rs200540781, ClinGen allele CA302919.
Genomic context (GRCh38, chr2:178,543,909, plus strand): 5'-GGACTGTTGCTGATTTCTTGCCAGATTGGTTTTCAGCTTCAATTGTGTATTTTCCAGCAT[C>T]GTACCGATTAACTTTGTCCACTATTAGCAATGAGTAGCTCTCAGTGGTGTCAATAATTGC-3'
Protein context (NP_001254479.2, residues 32069-32089): LLIVDKVNRY[Asp32079Asn]AGKYTIEAEN

ClinVar aggregate classification (germline): Conflicting classifications of pathogenicity. Review status: criteria provided, conflicting classifications (1 of 4 stars). 19 submissions from 15 submitters: Uncertain significance (9); Benign (2); Likely benign (7). 1 of the submissions does not count toward it. Last evaluated 2025-10-28.

Conditions:
TTN-related disorder. Also called: TTN-related condition; TTN-related disease; TTN-related disorders.
Cardiovascular phenotype. Identifiers: MedGen CN230736.
Dilated cardiomyopathy 1G (CMD1G). Identifiers: Orphanet 154, MedGen C1858763, MONDO:0011400, OMIM 604145.
Autosomal recessive limb-girdle muscular dystrophy type 2J (LGMDR10). Also called: Limb-girdle muscular dystrophy, type 2J; MUSCULAR DYSTROPHY, LIMB-GIRDLE, AUTOSOMAL RECESSIVE 10. Identifiers: Orphanet 140922, MedGen C1837342, MONDO:0012127, OMIM 608807.
Cardiomyopathy (CMYO). Also called: Cardiomyopathies. Identifiers: Orphanet 167848, MedGen C0878544, MONDO:0004994, HP:0001638. Inheritance: Various modes of inheritance.
Early-onset myopathy with fatal cardiomyopathy (CMYO5). Also called: Salih Myopathy; CONGENITAL MYOPATHY 5 WITH CARDIOMYOPATHY. Identifiers: Orphanet 289377, MedGen C2673677, MONDO:0012714, OMIM 611705. Disease mechanism: loss of function.
Tibial muscular dystrophy (TMD). Also called: Tibial muscular dystrophy, tardive; Udd Distal Myopathy – Tibial Muscular Dystrophy; UDD MYOPATHY. Identifiers: Orphanet 609, MedGen C1838244, MONDO:0010870, OMIM 600334.
Myopathy, myofibrillar, 9, with early respiratory failure (MFM9). Also called: Myopathy, distal, with early respiratory failure, autosomal dominant; MYOPATHY, PROXIMAL, WITH EARLY RESPIRATORY MUSCLE INVOLVEMENT; Hereditary myopathy with early respiratory failure; EDSTROM MYOPATHY. Identifiers: Orphanet 178464, Orphanet 34521, MedGen C1863599, MONDO:0011362, OMIM 603689.
Primary dilated cardiomyopathy (DCM). Also called: Dilated Cardiomyopathy. Identifiers: Orphanet 217604, MedGen C0007193, MeSH D002311, MONDO:0005021, HP:0001644. Inheritance: Various modes of inheritance.

Allele frequency attached by ClinVar (database versions not stated): TOPMed 0.00020; ESP Exome Variant Server 0.00050.
gnomAD v4.1: 498 of 1,613,510 alleles (0.031%); highest among the groups gnomAD compares: Admixed American, 0.045%; no homozygotes.

Submissions (19):

Mayo Clinic Laboratories, Mayo Clinic
Classification: Uncertain significance. Last evaluated: 2025-10-28. Review status: criteria provided, single submitter. Criteria: ACMG Guidelines, 2015. Collection method: clinical testing. Allele origin: germline. Observed: 2 variant alleles.

PreventionGenetics, part of Exact Sciences
Classification: Likely benign for TTN-related condition. Last evaluated: 2025-07-03. Review status: criteria provided, single submitter. Criteria: ACMG Guidelines, 2015. Collection method: clinical testing. Allele origin: germline.
Comment: This variant is classified as likely benign based on ACMG/AMP sequence variant interpretation guidelines (Richards et al. 2015 PMID: 25741868, with internal and published modifications).

Molecular Diagnostic Laboratory for Inherited Cardiovascular Disease, Montreal Heart Institute
Classification: Likely benign. Last evaluated: 2025-04-09. Review status: criteria provided, single submitter. Criteria: ACMG Guidelines, 2015. Collection method: clinical testing. Allele origin: germline. Affected: no.

Revvity Omics, Revvity
Classification: Uncertain significance. Last evaluated: 2025-02-19. Review status: criteria provided, single submitter. Criteria: ACMG Guidelines, 2015. Collection method: clinical testing. Allele origin: germline.

Women's Health and Genetics/Laboratory Corporation of America, LabCorp
Classification: Likely benign. Last evaluated: 2024-12-27. Review status: criteria provided, single submitter. Criteria: LabCorp Variant Classification Summary - May 2015. Collection method: clinical testing. Allele origin: germline.
Comment: Variant summary: TTN c.88531G>A (p.Asp29511Asn) results in a conservative amino acid change located in the A-band domain of the encoded protein sequence. Three of four in-silico tools predict a damaging effect of the variant on protein function. The variant allele was found at a frequency of 0.00019 in 248810 control chromosomes, predominantly at a frequency of 0.00043 within the Latino subpopulation in the gnomAD database. The observed variant frequency within Latino control individuals in the gnomAD database is approximately 1.1 fold of the estimated maximal expected allele frequency for a pathogenic variant in TTN causing Dilated Cardiomyopathy phenotype (0.00039). c.88531G>A has been reported in the literature in individuals affected with sudden unexplained death/sudden infant death syndrome or fetal loss without evidence for causality (examples: Campuzano_2015, Kline_2021, Rohrer_2023). These report(s) do not provide unequivocal conclusions about association of the variant with Dilated Cardiomyopathy. To our knowledge, no experimental evidence demonstrating an impact on protein function has been reported. The following publications have been ascertained in the context of this evaluation (PMID: 26516846, 34756330, 37614113). ClinVar contains an entry for this variant (Variation ID: 196196). Based on the evidence outlined above, the variant was classified as likely benign.

Blueprint Genetics
Classification: Likely benign. Last evaluated: 2024-11-25. Review status: criteria provided, single submitter. Criteria: ACMG Guidelines, 2015. Collection method: clinical testing. Allele origin: germline.

Clinical Center for Gene Diagnosis and Therapy, Department of Cardiovascular Surgery, The Second Xiangya Hospital of Central South University
Classification: Uncertain significance for Primary dilated cardiomyopathy. Last evaluated: 2023-06-01. Review status: criteria provided, single submitter. Criteria: ACMG Guidelines, 2015. Collection method: clinical testing. Allele origin: germline. Affected: yes.

CHEO Genetics Diagnostic Laboratory, Children's Hospital of Eastern Ontario
Classification: Likely benign for Cardiomyopathy. Last evaluated: 2023-05-26. Review status: criteria provided, single submitter. Criteria: ACMG Guidelines, 2015. Collection method: clinical testing. Allele origin: germline.

GeneDx
Classification: Likely benign. Last evaluated: 2021-06-08. Review status: criteria provided, single submitter. Criteria: GeneDx Variant Classification Process June 2021. Collection method: clinical testing. Allele origin: germline. Affected: yes.

Ambry Genetics
Classification: Likely benign for Cardiovascular phenotype. Last evaluated: 2019-09-25. Review status: criteria provided, single submitter. Criteria: Ambry Variant Classification Scheme 2023. Collection method: clinical testing. Allele origin: germline.

Illumina Laboratory Services, Illumina
Classification: Uncertain significance for Autosomal recessive limb-girdle muscular dystrophy type 2J. Last evaluated: 2018-01-12. Review status: criteria provided, single submitter. Criteria: ICSL Variant Classification Criteria 13 December 2019. Collection method: clinical testing. Allele origin: germline.

Illumina Laboratory Services, Illumina
Classification: Benign for Tibial muscular dystrophy. Last evaluated: 2018-01-12. Review status: criteria provided, single submitter. Criteria: ICSL Variant Classification Criteria 13 December 2019. Collection method: clinical testing. Allele origin: germline.
Comment: This variant was observed in the ICSL laboratory as part of a predisposition screen in an ostensibly healthy population. It had not been previously curated by ICSL or reported in the Human Gene Mutation Database (HGMD: prior to June 1st, 2018), and was therefore a candidate for classification through an automated scoring system. Utilizing variant allele frequency, disease prevalence and penetrance estimates, and inheritance mode, an automated score was calculated to assess if this variant is too frequent to cause the disease. Based on the score and internal cut-off values, a variant classified as benign is not then subjected to further curation. The score for this variant resulted in a classification of benign for this disease.

Illumina Laboratory Services, Illumina
Classification: Uncertain significance for Early-onset myopathy with fatal cardiomyopathy. Last evaluated: 2018-01-12. Review status: criteria provided, single submitter. Criteria: ICSL Variant Classification Criteria 13 December 2019. Collection method: clinical testing. Allele origin: germline.

Illumina Laboratory Services, Illumina
Classification: Benign for Myopathy, myofibrillar, 9, with early respiratory failure. Last evaluated: 2018-01-12. Review status: criteria provided, single submitter. Criteria: ICSL Variant Classification Criteria 13 December 2019. Collection method: clinical testing. Allele origin: germline.
Comment: the same text as in the submission from Illumina Laboratory Services, Illumina above.

Illumina Laboratory Services, Illumina
Classification: Uncertain significance for Dilated cardiomyopathy 1G. Last evaluated: 2018-01-12. Review status: criteria provided, single submitter. Criteria: ICSL Variant Classification Criteria 13 December 2019. Collection method: clinical testing. Allele origin: germline.

Labcorp Genetics (formerly Invitae), Labcorp
Classification: Uncertain significance for Dilated cardiomyopathy 1G; Autosomal recessive limb-girdle muscular dystrophy type 2J. Last evaluated: 2017-04-06. Review status: criteria provided, single submitter. Criteria: Invitae Variant Classification Sherloc (09022015). Collection method: clinical testing. Allele origin: germline.

Eurofins Ntd Llc (ga)
Classification: Uncertain significance. Last evaluated: 2015-09-22. Review status: criteria provided, single submitter. Criteria: EGL Classification Definitions 2015. Collection method: clinical testing. Allele origin: germline. Observed: 1 variant allele, 1 heterozygote.

Laboratory for Molecular Medicine, Mass General Brigham Personalized Medicine
Classification: Uncertain significance. Last evaluated: 2015-03-24. Review status: criteria provided, single submitter. Criteria: LMM Criteria. Collection method: clinical testing. Allele origin: germline. Observed: 1 variant allele.
Comment: The p.Asp29511Asn variant in TTN has not been previously reported in individuals with cardiomyopathy, but has been identified in 12/66690 European chromosomes a nd 6/11544 Latino chromosomes by the Exome Aggregation Consortium (ExAC; dbSNP rs200540781). Computational prediction tools and conservation analysis suggest that this variant may impact the protein, though t his information is not predictive enough to determine pathogenicity. In summary, the clinical significance of the p.Asp29511Asn variant is uncertain.

Department of Pathology and Laboratory Medicine, Sinai Health System
Classification: Uncertain significance. Review status: no assertion criteria provided. Collection method: clinical testing. Allele origin: unknown. Affected: yes. Study: The Canadian Open Genetics Repository (COGR). Not counted in ClinVar's aggregate classification.
Comment: The TTN p.Asp23014Asn variant was not identified in the literature but was identified in dbSNP (ID: rs200540781), ClinVar (classified as uncertain significance by GeneDx, Invitae, Ambry Genetics, EGL Genetic Diagnostics, Laboratory for Molecular Medicine and Invitae) and LOVD 3.0 (classified as a VUS). The variant was identified in control databases in 51 of 280188 chromosomes at a frequency of 0.000182 (Genome Aggregation Database March 6, 2019, v2.1.1). The variant was observed in the following populations: Latino in 15 of 35360 chromosomes (freq: 0.000424), Other in 2 of 7126 chromosomes (freq: 0.000281), European (non-Finnish) in 32 of 128056 chromosomes (freq: 0.00025) and African in 2 of 24182 chromosomes (freq: 0.000083), but was not observed in the Ashkenazi Jewish, East Asian, European (Finnish), or South Asian populations. The p.Asp23014 residue has limited species conservation information and computational analyses (PolyPhen-2, BLOSUM, MutationTaster) provide inconsistent predictions regarding the impact to the protein. The variant occurs outside of the splicing consensus sequence and three of four in silico or computational prediction software programs (SpliceSiteFinder, MaxEntScan, NNSPLICE, GeneSplicer) predict a greater than 10% difference in splicing. However, this information is not predictive enough to assume pathogenicity. In summary, based on the above information the clinical significance of this variant cannot be determined with certainty at this time. This variant is classified as a variant of uncertain significance.

Literature cited by the submitters: PubMed 26516846 (cited by Women's Health and Genetics/Laboratory Corporation of America, LabCorp); PubMed 34756330 (cited by Women's Health and Genetics/Laboratory Corporation of America, LabCorp); PubMed 37614113 (cited by Women's Health and Genetics/Laboratory Corporation of America, LabCorp).